The following is an entry in ClinVar:

NM_001077350.3(NPRL3):c.1564G>A (p.Gly522Ser)

Gene: NPRL3 (NPR3 like, GATOR1 complex subunit; minus strand). Cytogenetic location: 16p13.3.
Variant type: single nucleotide variant.
Coding change: c.1564G>A on transcript NM_001077350.3 (MANE Select); coding-DNA position 1564, G replaced by A.
Protein change: p.Gly522Ser; replaces glycine 522 with serine.
Molecular consequence: missense variant.
Genome position (GRCh38, 1-based): chr16:86,851, C>T on the plus strand (G>A on the coding strand, the complement: NPRL3 is on the minus strand). VCF-style: chr16-86851-C-T. GRCh37 (hg19) VCF-style: chr16-136850-C-T.
Other names: c.1027G>A, p.Gly343Ser (NM_001039476.3); c.1330G>A, p.Gly444Ser (NM_001243247.2); c.1489G>A, p.Gly497Ser (NM_001243248.2, NM_001243249.2); short protein forms G343S, G444S, G497S, G522S.
Identifiers: ClinVar variation 1003127 (VCV001003127.8), dbSNP rs752985390, ClinGen allele CA7769271.

ClinVar aggregate classification (germline): Uncertain significance (1 of 4 stars; one submission).

Conditions:
Epilepsy, familial focal, with variable foci 3 (FFEVF3). Identifiers: MedGen C4310708, MONDO:0014925, OMIM 617118.

Allele frequency attached by ClinVar (database versions not stated): TOPMed below 0.00001; ExAC 0.00001; gnomAD exomes 0.00001.
gnomAD v4.1: 7 of 1,613,196 alleles (0.00043%); highest among the groups gnomAD compares: East Asian, 0.0022%; no homozygotes.

Submission:

Labcorp Genetics (formerly Invitae), Labcorp
Classification: Uncertain significance for Epilepsy, familial focal, with variable foci 3. Last evaluated: 2022-11-22. Review status: criteria provided, single submitter. Criteria: Invitae Variant Classification Sherloc (09022015). Collection method: clinical testing. Allele origin: germline.
Comment: In summary, the available evidence is currently insufficient to determine the role of this variant in disease. Therefore, it has been classified as a Variant of Uncertain Significance. Algorithms developed to predict the effect of sequence changes on RNA splicing suggest that this variant may create or strengthen a splice site. Advanced modeling of protein sequence and biophysical properties (such as structural, functional, and spatial information, amino acid conservation, physicochemical variation, residue mobility, and thermodynamic stability) performed at Invitae indicates that this missense variant is expected to disrupt NPRL3 protein function. ClinVar contains an entry for this variant (Variation ID: 1003127). This variant has not been reported in the literature in individuals affected with NPRL3-related conditions. The frequency data for this variant in the population databases is considered unreliable, as metrics indicate poor data quality at this position in the gnomAD database. This sequence change replaces glycine, which is neutral and non-polar, with serine, which is neutral and polar, at codon 522 of the NPRL3 protein (p.Gly522Ser).